The following is an entry in ClinVar:

ClinVar aggregate classification (germline): Uncertain significance. Review status: criteria provided, multiple submitters, no conflicts (2 of 4 stars). 3 submissions from 3 submitters: Uncertain significance (3). Last evaluated 2026-08-17.

Conditions:
BBS9-related disorder. Also called: BBS9-related condition.
Bardet-Biedl syndrome 9 (BBS9). Identifiers: Orphanet 110, MedGen C1859567, MONDO:0014437, OMIM 615986.

gnomAD v4.1: 6 of 1,613,558 alleles (0.00037%); highest among the groups gnomAD compares: Admixed American, 0.0017%; no homozygotes.

Submissions (3):

PreventionGenetics, part of Exact Sciences
Classification: Uncertain significance for BBS9-related condition. Last evaluated: 2026-08-17. Review status: criteria provided, single submitter. Criteria: ACMG Guidelines, 2015. Collection method: clinical testing. Allele origin: germline.
Comment: The BBS9 c.748A>G variant is predicted to result in the amino acid substitution p.Ile250Val. To our knowledge, this variant has not been reported in the literature. This variant is reported in 0.0026% of alleles in individuals of European (Non-Finnish) descent in gnomAD. At this time, the clinical significance of this variant is uncertain due to the absence of conclusive functional and genetic evidence.

Fulgent Genetics
Classification: Uncertain significance for Bardet-Biedl syndrome 9. Last evaluated: 2024-03-24. Review status: criteria provided, single submitter. Criteria: ACMG Guidelines, 2015. Collection method: clinical testing. Allele origin: germline.

Blueprint Genetics
Classification: Uncertain significance. Last evaluated: 2023-12-07. Review status: criteria provided, single submitter. Criteria: ACMG Guidelines, 2015. Collection method: clinical testing. Allele origin: germline.

NM_198428.3(BBS9):c.748A>G (p.Ile250Val)

Gene: BBS9 (Bardet-Biedl syndrome 9; plus strand). Cytogenetic location: 7p14.3.
Variant type: single nucleotide variant.
Coding change: c.748A>G on transcript NM_198428.3 (MANE Select); coding-DNA position 748, A replaced by G.
Protein change: p.Ile250Val; replaces isoleucine 250 with valine.
Molecular consequence: missense variant. On other transcripts: non-coding transcript variant (3).
Genome position (GRCh38, 1-based): chr7:33,273,057, A>G. VCF-style: chr7-33273057-A-G. GRCh37 (hg19) VCF-style: chr7-33312669-A-G.
Other names: c.748A>G, p.Ile250Val (NM_001033604.2, NM_001033605.2, NM_001348036.1 and 5 more transcripts); c.382A>G, p.Ile128Val (NM_001348037.3, NM_001348044.3, NM_001348045.3 and 1 more transcripts); c.475A>G, p.Ile159Val (NM_001348038.3, NM_001348039.3); c.613A>G, p.Ile205Val (NM_001348042.3); c.748A>G (NM_198428.2); short protein forms I128V, I159V, I205V, I250V.
Identifiers: ClinVar variation 3594544 (VCV003594544.3).